The following is an entry in ClinVar:

ClinVar aggregate classification (germline): Pathogenic (1 of 4 stars; one submission).

Submission:

Labcorp Genetics (formerly Invitae), Labcorp
Classification: Pathogenic. Last evaluated: 2025-06-10. Review status: criteria provided, single submitter. Criteria: Invitae Variant Classification Sherloc (09022015). Collection method: clinical testing. Allele origin: germline.
Comment: This sequence change creates a premature translational stop signal (p.Val1224Argfs*7) in the MYO15A gene. It is expected to result in an absent or disrupted protein product. Loss-of-function variants in MYO15A are known to be pathogenic (PMID: 17546645). This variant is not present in population databases (gnomAD no frequency). This variant has not been reported in the literature in individuals affected with MYO15A-related conditions. Algorithms developed to predict the effect of sequence changes on RNA splicing suggest that this variant may disrupt the consensus splice site. For these reasons, this variant has been classified as Pathogenic.

Literature cited by the submitters: PubMed 17546645.

NM_016239.4(MYO15A):c.3661_3668dup (p.Val1224fs)

Gene: MYO15A (myosin XVA; plus strand). Cytogenetic location: 17p11.2.
Variant type: Duplication.
Coding change: c.3661_3668dup on transcript NM_016239.4 (MANE Select); coding-DNA positions 3661 to 3668, 8 bases duplicated (GAGGATGG; older notation c.3661_3668dupGAGGATGG).
Protein change: p.Val1224fs; shifts the reading frame from valine 1224.
Molecular consequence: frameshift variant.
Genome position (GRCh38, 1-based): chr17:18,124,534-18,124,541, GAGGATGG duplicated; duplicating any 8 consecutive bases within chr17:18,124,532-18,124,541 gives the same sequence; the c. name uses the placement nearest the transcript's 3' end. VCF-style (leftmost placement, unchanged base first): chr17-18124531-G-GGGGAGGAT. GRCh37 (hg19) VCF-style: chr17-18027845-G-GGGGAGGAT.
Other names: short protein forms V1224fs.
Identifiers: ClinVar variation 4766231 (VCV004766231.1).
Genomic context (GRCh38, chr17:18,124,531, plus strand): 5'-TCTCTCACACAGATGCACTCCATCCGCAACCTGCCATCCATGCGGTTCCGTGAGCAGCAC[G>GGGGAGGAT]GGGAGGATGGTGTGGAGGACATGACACAGCTGGAGTGAGTGGGCAGGGCCGGCGGGGTCA-3'